The following is an entry in ClinVar:

NM_020778.5(ALPK3):c.3187G>A (p.Gly1063Ser)

Gene: ALPK3 (alpha kinase 3; plus strand). Cytogenetic location: 15q25.3.
Variant type: single nucleotide variant.
Coding change: c.3187G>A on transcript NM_020778.5 (MANE Select); coding-DNA position 3187, G replaced by A.
Protein change: p.Gly1063Ser; replaces glycine 1063 with serine.
Molecular consequence: missense variant.
Genome position (GRCh38, 1-based): chr15:84,857,925, G>A. VCF-style: chr15-84857925-G-A. GRCh37 (hg19) VCF-style: chr15-85401156-G-A.
Other names: short protein forms G1063S.
Identifiers: ClinVar variation 4745000 (VCV004745000.1).
Genomic context (GRCh38, chr15:84,857,925, plus strand): 5'-CTCCTGGACCGTGAGGTGCAGGCTGGCCGCCAGGCCCTTGCTGCTGCCCGAGGCTCCTGG[G>A]GTCCTGGTCCCAGCTCCCTCACTGTCCCTGCCATTGTGGTAGACGAGGAGGACCCTGGGC-3'
Protein context (NP_065829.4, residues 1053-1073): QALAAARGSW[Gly1063Ser]PGPSSLTVPA

ClinVar aggregate classification (germline): Uncertain significance (1 of 4 stars; one submission).

gnomAD v4.1: 2 of 1,610,378 alleles (0.00012%); highest among the groups gnomAD compares: Non-Finnish European, 0.00017%; no homozygotes.

Submission:

Labcorp Genetics (formerly Invitae), Labcorp
Classification: Uncertain significance. Last evaluated: 2025-05-13. Review status: criteria provided, single submitter. Criteria: Invitae Variant Classification Sherloc (09022015). Collection method: clinical testing. Allele origin: germline.
Comment: This sequence change replaces glycine, which is neutral and non-polar, with serine, which is neutral and polar, at codon 1265 of the ALPK3 protein (p.Gly1265Ser). This variant is not present in population databases (gnomAD no frequency). This variant has not been reported in the literature in individuals affected with ALPK3-related conditions. Invitae Evidence Modeling of protein sequence and biophysical properties (such as structural, functional, and spatial information, amino acid conservation, physicochemical variation, residue mobility, and thermodynamic stability) indicates that this missense variant is not expected to disrupt ALPK3 protein function with a negative predictive value of 80%. In summary, the available evidence is currently insufficient to determine the role of this variant in disease. Therefore, it has been classified as a Variant of Uncertain Significance.